The following is an entry in ClinVar:

NM_001297.5(CNGB1):c.667C>T (p.Pro223Ser)

Gene: CNGB1 (cyclic nucleotide gated channel subunit beta 1; minus strand). Cytogenetic location: 16q21.
Variant type: single nucleotide variant.
Coding change: c.667C>T on transcript NM_001297.5 (MANE Select); coding-DNA position 667, C replaced by T.
Protein change: p.Pro223Ser; replaces proline 223 with serine.
Molecular consequence: missense variant.
Genome position (GRCh38, 1-based): chr16:57,959,982, G>A on the plus strand (C>T on the coding strand, the complement: CNGB1 is on the minus strand). VCF-style: chr16-57959982-G-A. GRCh37 (hg19) VCF-style: chr16-57993886-G-A.
Other names: c.667C>T, p.Pro223Ser (NM_001135639.2); c.649C>T, p.Pro217Ser (NM_001286130.2); short protein forms P217S, P223S.
Identifiers: ClinVar variation 2135717 (VCV002135717.4), dbSNP rs2544676472, ClinGen allele CA396077691.

ClinVar aggregate classification (germline): Uncertain significance (1 of 4 stars; one submission).

Submission:

Labcorp Genetics (formerly Invitae), Labcorp
Classification: Uncertain significance. Last evaluated: 2022-05-08. Review status: criteria provided, single submitter. Criteria: Invitae Variant Classification Sherloc (09022015). Collection method: clinical testing. Allele origin: germline.
Comment: In summary, the available evidence is currently insufficient to determine the role of this variant in disease. Therefore, it has been classified as a Variant of Uncertain Significance. Advanced modeling of protein sequence and biophysical properties (such as structural, functional, and spatial information, amino acid conservation, physicochemical variation, residue mobility, and thermodynamic stability) performed at Invitae indicates that this missense variant is not expected to disrupt CNGB1 protein function. This variant has not been reported in the literature in individuals affected with CNGB1-related conditions. This variant is not present in population databases (gnomAD no frequency). This sequence change replaces proline, which is neutral and non-polar, with serine, which is neutral and polar, at codon 223 of the CNGB1 protein (p.Pro223Ser).